The following is an entry in ClinVar:

ClinVar aggregate classification (germline): Benign. Review status: criteria provided, multiple submitters, no conflicts (2 of 4 stars). 5 submissions from 5 submitters: Benign (5). Last evaluated 2026-02-04.

Conditions:
Autosomal recessive nonsyndromic hearing loss 104. Also called: Deafness, autosomal recessive 104. Identifiers: Orphanet 90636, MedGen C4225298, MONDO:0014675, OMIM 616515.

Allele frequency attached by ClinVar (database versions not stated): ExAC 0.19846; gnomAD exomes 0.20084 and 0.20497; 1000 Genomes Project 0.22684; 1000 Genomes Project 30x 0.23282; ESP Exome Variant Server 0.24091; gnomAD 0.24425 and 0.24950; TOPMed 0.25569.
gnomAD v4.1: 323,712 of 1,548,872 alleles (21%); highest among the groups gnomAD compares: African/African-American, 36%; 35,327 homozygotes.

Submissions (5):

Labcorp Genetics (formerly Invitae), Labcorp
Classification: Benign. Last evaluated: 2026-02-04. Review status: criteria provided, single submitter. Criteria: Invitae Variant Classification Sherloc (09022015). Collection method: clinical testing. Allele origin: germline.

Genome-Nilou Lab
Classification: Benign for Autosomal recessive nonsyndromic hearing loss 104. Last evaluated: 2021-08-10. Review status: criteria provided, single submitter. Criteria: ACMG Guidelines, 2015. Collection method: clinical testing. Allele origin: germline. Affected: no.

Mayo Clinic Laboratories, Mayo Clinic
Classification: Benign. Last evaluated: 2020-10-02. Review status: criteria provided, single submitter. Criteria: ACMG Guidelines, 2015. Collection method: clinical testing. Allele origin: germline. Observed: 47 variant alleles.

Laboratory for Molecular Medicine, Mass General Brigham Personalized Medicine
Classification: Benign. Last evaluated: 2017-08-23. Review status: criteria provided, single submitter. Criteria: LMM Criteria. Collection method: clinical testing. Allele origin: germline. Observed: 123 variant alleles.
Comment: p.Arg868Gln in exon 19 of FAM65B: This variant is not expected to have clinical significance because it has been identified in 35.59% (748/2102) of African chro mosomes by the Exome Aggregation Consortium (ExAC, g; dbSNP rs9461073).

GeneDx
Classification: Benign. Last evaluated: 2017-05-09. Review status: criteria provided, single submitter. Criteria: GeneDx Variant Classification (06012015). Collection method: clinical testing. Allele origin: germline. Affected: yes.
Comment: This variant is considered likely benign or benign based on one or more of the following criteria: it is a conservative change, it occurs at a poorly conserved position in the protein, it is predicted to be benign by multiple in silico algorithms, and/or has population frequency not consistent with disease.

NM_001286445.3(RIPOR2):c.2540G>A (p.Arg847Gln)

Gene: RIPOR2 (RHO family interacting cell polarization regulator 2; minus strand). Cytogenetic location: 6p22.3.
Variant type: single nucleotide variant.
Coding change: c.2540G>A on transcript NM_001286445.3 (MANE Select); coding-DNA position 2540, G replaced by A.
Protein change: p.Arg847Gln; replaces arginine 847 with glutamine.
Molecular consequence: missense variant.
Genome position (GRCh38, 1-based): chr6:24,828,262, C>T on the plus strand (G>A on the coding strand, the complement: RIPOR2 is on the minus strand). VCF-style: chr6-24828262-C-T. GRCh37 (hg19) VCF-style: chr6-24828490-C-T.
Other names: c.2453G>A, p.Arg818Gln (NM_001346031.2, NM_001346032.2); c.2603G>A, p.Arg868Gln (NM_014722.5); short protein forms R868Q, R847Q, R818Q.
Identifiers: ClinVar variation 508154 (VCV000508154.16), dbSNP rs9461073, ClinGen allele CA3659096.